The following is an entry in ClinVar:

NM_000204.5(CFI):c.1109T>A (p.Ile370Asn)

Gene: CFI (complement factor I; minus strand). Cytogenetic location: 4q25.
Variant type: single nucleotide variant.
Coding change: c.1109T>A on transcript NM_000204.5 (MANE Select); coding-DNA position 1109, T replaced by A.
Protein change: p.Ile370Asn; replaces isoleucine 370 with asparagine.
Molecular consequence: missense variant. On other transcripts: non-coding transcript variant (3).
Genome position (GRCh38, 1-based): chr4:109,749,257, A>T on the plus strand (T>A on the coding strand, the complement: CFI is on the minus strand). VCF-style: chr4-109749257-A-T. GRCh37 (hg19) VCF-style: chr4-110670413-A-T.
Other names: c.1133T>A, p.Ile378Asn (NM_001318057.2, NM_001375278.1, NM_001440988.1); c.1088T>A, p.Ile363Asn (NM_001331035.2, NM_001375280.1, NM_001375282.1 and 1 more transcripts); c.1109T>A, p.Ile370Asn (NM_001375279.1, NM_001375281.1, NM_001440989.1); c.1052T>A, p.Ile351Asn (NM_001375283.1); c.500T>A, p.Ile167Asn (NM_001375284.1); c.1130T>A, p.Ile377Asn (NM_001440985.1, NM_001440986.1); short protein forms I167N, I351N, I363N, I370N, I377N, I378N.
Identifiers: ClinVar variation 4280496 (VCV004280496.2).

ClinVar aggregate classification (germline): Pathogenic (1 of 4 stars; one submission).

Conditions:
Atypical hemolytic-uremic syndrome. Identifiers: Orphanet 2134, MedGen C2931788, MONDO:0016244.

gnomAD v4.1: 1 of 1,614,202 alleles (0.000062%); highest among the groups gnomAD compares: Non-Finnish European, 0.000085%; no homozygotes.

Submission:

Genomenon, Inc
Classification: Pathogenic for Atypical hemolytic-uremic syndrome. Last evaluated: 2026-09-17. Review status: criteria provided, single submitter. Criteria: Genomenon Sequence Variant Interpretation Standards - Updated. Collection method: curation. Allele origin: germline. Affected: yes.
Comment: CFI p.Ile370Asn (c.1109T>A) is a missense variant that changes the amino acid at codon 370 from Isoleucine to Asparagine. This variant has been observed in at least one proband affected with atypical hemolytic-uremic syndrome (PMID:35372954;28752844;31312772). At least one functional study has demonstrated a substantial alteration in protein function relative to the wild-type (PMID:31312772). This variant is located in a mutational hotspot and/or important functional domain. It is absent or not present at a significant frequency in gnomAD. In silico models predict that this variant is possibly or probably damaging. In conclusion, we classify CFI p.Ile370Asn (c.1109T>A) as a pathogenic variant.

Literature cited by the submitters: PubMed 35372954; PubMed 28752844; PubMed 31312772.